The following is an entry in ClinVar:

NM_001291867.2(NHS):c.424G>C (p.Val142Leu)

Gene: NHS (NHS actin remodeling regulator; plus strand). Cytogenetic location: Xp22.2.
Variant type: single nucleotide variant.
Coding change: c.424G>C on transcript NM_001291867.2 (MANE Select); coding-DNA position 424, G replaced by C.
Protein change: p.Val142Leu; replaces valine 142 with leucine.
Molecular consequence: missense variant.
Genome position (GRCh38, 1-based): chrX:17,376,181, G>C. VCF-style: chrX-17376181-G-C. GRCh37 (hg19) VCF-style: chrX-17394304-G-C.
Other names: c.424G>C, p.Val142Leu (NM_198270.4); c.424G>C (NM_198270.2); short protein forms V142L.
Identifiers: ClinVar variation 2901926 (VCV002901926.2), dbSNP rs751886871, ClinGen allele CA10358444.
Genomic context (GRCh38, chrX:17,376,181, plus strand): 5'-CTGGACCTATGCGCGGTCAGCAACGCCGCTCTGGCCCGTGTCCTCCGGCAGCTCTCGGAC[G>C]TGGCCCGGCACGCTTGCAGCCTCTTCCAGGAGCTCGAGAGCGACATCCAGCTCACCCACC-3'
Protein context (NP_001278796.1, residues 132-152): LARVLRQLSD[Val142Leu]ARHACSLFQE

ClinVar aggregate classification (germline): Uncertain significance. Review status: criteria provided, multiple submitters, no conflicts (2 of 4 stars). 2 submissions from 2 submitters: Uncertain significance (2). Last evaluated 2026-02-17.

Conditions:
Nance-Horan syndrome (NHS). Identifiers: Orphanet 627, MedGen C0796085, MONDO:0010545, OMIM 302350.
Inborn genetic diseases. Identifiers: MedGen C0950123, MeSH D030342.

Allele frequency attached by ClinVar (database versions not stated): gnomAD exomes 0.00001; gnomAD 0.00002; TOPMed 0.00002; ExAC 0.00007.
gnomAD v4.1: 17 of 1,189,397 alleles (0.0014%); highest among the groups gnomAD compares: Non-Finnish European, 0.0019%; no homozygotes.

Submissions (2):

Ambry Genetics
Classification: Uncertain significance for Inborn genetic diseases. Last evaluated: 2026-02-17. Review status: criteria provided, single submitter. Criteria: Ambry Variant Classification Scheme 2023. Collection method: clinical testing. Allele origin: germline.
Comment: The c.424G>C (p.V142L) alteration is located in exon 1 (coding exon 1) of the NHS gene. This alteration results from a G to C substitution at nucleotide position 424, causing the valine (V) at amino acid position 142 to be replaced by a leucine (L). Based on data from gnomAD, the C allele has an overall frequency of 0.001% (1/140830) total alleles studied. The highest observed frequency was 0.002% (1/60653) of European (non-Finnish) alleles. Based on insufficient or conflicting evidence, the clinical significance of this alteration remains unclear.

Labcorp Genetics (formerly Invitae), Labcorp
Classification: Uncertain significance for Nance-Horan syndrome. Last evaluated: 2023-10-04. Review status: criteria provided, single submitter. Criteria: Invitae Variant Classification Sherloc (09022015). Collection method: clinical testing. Allele origin: germline.
Comment: This sequence change replaces valine, which is neutral and non-polar, with leucine, which is neutral and non-polar, at codon 142 of the NHS protein (p.Val142Leu). This variant is present in population databases (rs751886871, gnomAD 0.002%). This variant has not been reported in the literature in individuals affected with NHS-related conditions. An algorithm developed to predict the effect of missense changes on protein structure and function (PolyPhen-2) suggests that this variant¬†is likely to be tolerated. In summary, the available evidence is currently insufficient to determine the role of this variant in disease. Therefore, it has been classified as a Variant of Uncertain Significance.